The following is an entry in ClinVar:

NM_001292063.2(OTOG):c.4120G>A (p.Glu1374Lys)

Gene: OTOG (otogelin; plus strand). Cytogenetic location: 11p15.1.
Variant type: single nucleotide variant.
Coding change: c.4120G>A on transcript NM_001292063.2 (MANE Select); coding-DNA position 4120, G replaced by A.
Protein change: p.Glu1374Lys; replaces glutamic acid 1374 with lysine.
Molecular consequence: missense variant.
Genome position (GRCh38, 1-based): chr11:17,606,099, G>A. VCF-style: chr11-17606099-G-A. GRCh37 (hg19) VCF-style: chr11-17627646-G-A.
Other names: c.4156G>A, p.Glu1386Lys (NM_001277269.2); short protein forms E1374K, E1386K.
Identifiers: ClinVar variation 1707770 (VCV001707770.2), dbSNP rs554530166, ClinGen allele CA5905804.

ClinVar aggregate classification (germline): Uncertain significance (1 of 4 stars; one submission).

Allele frequency attached by ClinVar (database versions not stated): gnomAD 0.00006; ExAC 0.00008; TOPMed 0.00009; 1000 Genomes Project 30x 0.00016; 1000 Genomes Project 0.00020.
gnomAD v4.1: 15 of 1,546,912 alleles (0.00097%); highest among the groups gnomAD compares: African/African-American, 0.021%; no homozygotes.

Submission:

GeneDx
Classification: Uncertain significance. Last evaluated: 2022-03-31. Review status: criteria provided, single submitter. Criteria: GeneDx Variant Classification Process June 2021. Collection method: clinical testing. Allele origin: germline. Affected: yes.
Comment: In silico analysis supports that this missense variant has a deleterious effect on protein structure/function; Has not been previously published as pathogenic or benign to our knowledge